The following is an entry in ClinVar:

ClinVar aggregate classification (germline): Pathogenic. Review status: criteria provided, multiple submitters, no conflicts (2 of 4 stars). 5 submissions from 5 submitters: Pathogenic (4). 1 of the submissions does not count toward it. Last evaluated 2025-12-20.

Conditions:
NR3C2-related disorder. Also called: NR3C2-related condition; NR3C2-related disorders.
Pseudohyperaldosteronism type 2. Identifiers: Orphanet 88660, MedGen C1854631, MONDO:0011517, OMIM 605115.
Autosomal dominant pseudohypoaldosteronism type 1. Also called: Pseudohypoaldosteronism, Type I, Autosomal Dominant; PHA I, AUTOSOMAL DOMINANT; Pseudohypoaldosteronism, Type I, Dominant. Identifiers: Orphanet 171871, Orphanet 756, MedGen C1449842, MONDO:0008329, OMIM 177735.

Submissions (5):

PreventionGenetics, part of Exact Sciences
Classification: Pathogenic for NR3C2-related condition. Last evaluated: 2025-12-20. Review status: criteria provided, single submitter. Criteria: ACMG Guidelines, 2015. Collection method: clinical testing. Allele origin: germline.
Comment: The NR3C2 c.2839C>T variant is predicted to result in premature protein termination (p.Arg947*). This variant has been reported in individuals with pseudohypoaldosteronism 1 (Riepe et al. 2004. PubMed ID: 15126534; Fernandes-Rosa et al. 2006. PubMed ID: 16757525). This variant has not been reported in a large population database (gnomAD), indicating this variant is rare. This variant is located in the terminal exon and is not predicted to cause nonsense mediated decay of the transcript, however, downstream truncating variants have been reported in individuals with pseudohypoaldosteronism (Human Gene Mutation Database). This variant is interpreted as pathogenic.

MVZ Medizinische Genetik Mainz
Classification: Pathogenic for Autosomal dominant pseudohypoaldosteronism type 1. Last evaluated: 2024-10-29. Review status: criteria provided, single submitter. Criteria: UK Practice Guidelines For Variant Classification V4 01 2020. Collection method: clinical testing. Allele origin: germline. Inheritance: Autosomal dominant inheritance. Affected: yes. Observed: 1 variant allele.
Comment: ACMG Criteria: PVS1_STR,PS4,PS3_SUP,PM2_SUP

Fulgent Genetics
Classification: Pathogenic for Autosomal dominant pseudohypoaldosteronism type 1; Pseudohyperaldosteronism type 2. Last evaluated: 2021-09-21. Review status: criteria provided, single submitter. Criteria: ACMG Guidelines, 2015. Collection method: clinical testing. Allele origin: unknown.

Blueprint Genetics
Classification: Pathogenic for NR3C2-related disorders. Last evaluated: 2019-03-04. Review status: criteria provided, single submitter. Criteria: ACMG Guidelines, 2015. Collection method: clinical testing. Allele origin: germline. Affected: yes. Observed: 1 variant allele.

OMIM
Classification: Pathogenic for PSEUDOHYPOALDOSTERONISM, TYPE I, AUTOSOMAL DOMINANT. Last evaluated: 2006-09-01. Review status: no assertion criteria provided. Collection method: literature only. Allele origin: germline. Not counted in ClinVar's aggregate classification.

Literature cited by the submitters: PubMed 15126534 (cited by OMIM); PubMed 16757525 (cited by OMIM).

NM_000901.5(NR3C2):c.2839C>T (p.Arg947Ter)

Gene: NR3C2 (nuclear receptor subfamily 3 group C member 2; minus strand). Cytogenetic location: 4q31.23.
Variant type: single nucleotide variant.
Coding change: c.2839C>T on transcript NM_000901.5 (MANE Select); coding-DNA position 2839, C replaced by T.
Protein change: p.Arg947Ter; replaces arginine 947 with a stop codon.
Molecular consequence: nonsense. On other transcripts: non-coding transcript variant (1).
Genome position (GRCh38, 1-based): chr4:148,081,460, G>A on the plus strand (C>T on the coding strand, the complement: NR3C2 is on the minus strand). VCF-style: chr4-148081460-G-A. GRCh37 (hg19) VCF-style: chr4-149002611-G-A.
Other names: c.2488C>T, p.Arg830Ter (NM_001166104.2, NM_001354819.1); c.2839C>T (NM_000901.4); short protein forms R947*, R830*.
Identifiers: ClinVar variation 8567 (VCV000008567.6), dbSNP rs121912569, ClinGen allele CA119746.